The following is an entry in ClinVar:

NM_007294.4(BRCA1):c.2741A>G (p.Glu914Gly)

Gene: BRCA1 (BRCA1 DNA repair associated; minus strand). Cytogenetic location: 17q21.31.
Variant type: single nucleotide variant.
Coding change: c.2741A>G on transcript NM_007294.4 (MANE Select); coding-DNA position 2741, A replaced by G.
Protein change: p.Glu914Gly; replaces glutamic acid 914 with glycine.
Molecular consequence: missense variant. On other transcripts: intron variant (137).
Genome position (GRCh38, 1-based): chr17:43,092,790, T>C on the plus strand (A>G on the coding strand, the complement: BRCA1 is on the minus strand). VCF-style: chr17-43092790-T-C. GRCh37 (hg19) VCF-style: chr17-41244807-T-C.
Other names: c.2600A>G, p.Glu867Gly (NM_001407728.1, NM_001407729.1, NM_001407730.1 and 29 more transcripts); c.2741A>G, p.Glu914Gly (NM_001407602.1, NM_001407618.1, NM_001407619.1 and 30 more transcripts); c.2528A>G, p.Glu843Gly (NM_001407571.1, NM_001407853.1, NM_001407894.1 and 9 more transcripts); c.2597A>G, p.Glu866Gly (NM_001407742.1, NM_001407743.1, NM_001407744.1 and 20 more transcripts); c.2738A>G, p.Glu913Gly (NM_001407587.1, NM_001407590.1, NM_001407591.1 and 22 more transcripts); c.2474A>G, p.Glu825Gly (NM_001407936.1, NM_001407934.1, NM_001407930.1 and 2 more transcripts); c.2618A>G, p.Glu873Gly (NM_001407937.1, NM_001407938.1, NM_001407939.1 and 19 more transcripts); c.2732A>G, p.Glu911Gly (NM_001407646.1, NM_001407647.1); and 41 more; short protein forms E787G, E803G, E844G, E867G, E887G, E618G, E825G, E846G.
Identifiers: ClinVar variation 2148538 (VCV002148538.8), dbSNP rs2552184281, ClinGen allele CA10596508.

ClinVar aggregate classification (germline): Conflicting classifications of pathogenicity. Review status: criteria provided, conflicting classifications (1 of 4 stars). 3 submissions from 3 submitters: Uncertain significance (2); Likely benign (1). Last evaluated 2025-11-19.

Conditions:
Hereditary breast ovarian cancer syndrome. Also called: Hereditary breast and ovarian cancer syndrome (HBOC); Breast and ovarian cancer; Hereditary breast and/or ovarian cancer syndrome; BRCA1- and BRCA2-Associated Hereditary Breast and Ovarian Cancer; Hereditary breast and ovarian cancer; Hereditary breast and ovarian cancer syndrome. Identifiers: Orphanet 145, MedGen C0677776, MeSH D061325, MONDO:0003582. Disease mechanism: loss of function.
Hereditary cancer-predisposing syndrome. Also called: Tumor predisposition; Neoplastic Syndromes, Hereditary; Hereditary Cancer Syndrome; Hereditary neoplastic syndrome. Identifiers: Orphanet 140162, MedGen C0027672, MeSH D009386, MONDO:0015356.
Breast-ovarian cancer, familial, susceptibility to, 1 (BROVCA1). Also called: BRCA1 Hereditary Breast and Ovarian Cancer; OVARIAN CANCER, SUSCEPTIBILITY TO. Identifiers: Orphanet 145, MedGen C2676676, MONDO:0011450, OMIM 604370. Disease mechanism: loss of function.

Submissions (3):

Dasa
Classification: Uncertain significance for Breast-ovarian cancer, familial, susceptibility to, 1. Last evaluated: 2025-11-19. Review status: criteria provided, single submitter. Criteria: DASA Assertion Criteria. Collection method: clinical testing. Allele origin: germline.
Comment: NM_007294.4(BRCA1):c.2741A>G (p.Glu914Gly) is a missense variant that results in the substitution of glutamic acid with glycine. This variant is absent from population databases. The currently available literature and clinical evidence are not sufficient to establish a definitive association between this variant and the reported condition. Therefore, this variant is classified as a variant of uncertain significance.

Labcorp Genetics (formerly Invitae), Labcorp
Classification: Uncertain significance for Hereditary breast ovarian cancer syndrome. Last evaluated: 2023-12-30. Review status: criteria provided, single submitter. Criteria: Invitae Variant Classification Sherloc (09022015). Collection method: clinical testing. Allele origin: germline.
Comment: This sequence change replaces glutamic acid, which is acidic and polar, with glycine, which is neutral and non-polar, at codon 914 of the BRCA1 protein (p.Glu914Gly). This variant is not present in population databases (gnomAD no frequency). This missense change has been observed in individual(s) with breast cancer who also carried a pathogenic variant in the BRCA2 gene (PMID: 18279628). ClinVar contains an entry for this variant (Variation ID: 2148538). Advanced modeling of protein sequence and biophysical properties (such as structural, functional, and spatial information, amino acid conservation, physicochemical variation, residue mobility, and thermodynamic stability) performed at Invitae indicates that this missense variant is not expected to disrupt BRCA1 protein function with a negative predictive value of 95%. In summary, the available evidence is currently insufficient to determine the role of this variant in disease. Therefore, it has been classified as a Variant of Uncertain Significance.

University of Washington Department of Laboratory Medicine, University of Washington
Classification: Likely benign for Hereditary cancer-predisposing syndrome. Last evaluated: 2023-03-23. Review status: criteria provided, single submitter. Criteria: Dines et al. (Genet Med. 2020). Collection method: curation. Allele origin: germline.
Comment: Missense variant in a coldspot region where missense variants are very unlikely to be pathogenic (PMID:31911673).

BRCA1 coldspot (exon 11 using historical exon numbering). Reclassification based on statistical prior probability

Literature cited by the submitters: PubMed 18279628 (cited by Labcorp Genetics (formerly Invitae), Labcorp).